The following is an entry in ClinVar:

NM_152906.7(TANGO2):c.571_572delinsCT (p.Ala191Leu)

Gene: TANGO2 (transport and golgi organization 2 homolog; plus strand). Cytogenetic location: 22q11.21.
Variant type: Indel.
Coding change: c.571_572delinsCT on transcript NM_152906.7 (MANE Select); coding-DNA positions 571 to 572, GC replaced by CT.
Protein change: p.Ala191Leu; replaces alanine 191 with leucine.
Molecular consequence: missense variant. On other transcripts: non-coding transcript variant (3), intron variant (4).
Genome position (GRCh38, 1-based): chr22:20,061,649-20,061,650, GC replaced by CT. VCF-style: chr22-20061649-GC-CT. GRCh37 (hg19) VCF-style: chr22-20049172-GC-CT.
Other names: c.571_572delinsCT, p.Ala191Leu (NM_001283106.3, NM_001283116.3, NM_001283148.3 and 2 more transcripts); c.694_695delinsCT, p.Ala232Leu (NM_001283129.3, NM_001322141.2, NM_001322143.2 and 1 more transcripts); c.385_386delinsCT, p.Ala129Leu (NM_001283179.3, NM_001283186.3, NM_001322163.2 and 3 more transcripts); c.277_278delinsCT, p.Ala93Leu (NM_001283235.3, NM_001322150.2, NM_001322153.2 and 6 more transcripts); c.508_509delinsCT, p.Ala170Leu (NM_001322145.2, NM_001322147.2); c.469_470delinsCT, p.Ala157Leu (NM_001322146.2, NM_001322148.2, NM_001322160.2); c.381-1689_381-1688delinsCT (NM_001283199.3); c.575-2893_575-2892delinsCT (NM_001283215.3); and 2 more; short protein forms A170L, A191L, A232L, A93L, A129L, A157L.
Identifiers: ClinVar variation 1369696 (VCV001369696.6), dbSNP rs2147800072, ClinGen allele CA2573157785.

ClinVar aggregate classification (germline): Uncertain significance (1 of 4 stars; one submission).

Submission:

Labcorp Genetics (formerly Invitae), Labcorp
Classification: Uncertain significance. Last evaluated: 2022-11-28. Review status: criteria provided, single submitter. Criteria: Invitae Variant Classification Sherloc (09022015). Collection method: clinical testing. Allele origin: germline.
Comment: ClinVar contains an entry for this variant (Variation ID: 1369696). Algorithms developed to predict the effect of missense changes on protein structure and function are either unavailable or do not agree on the potential impact of this missense change (SIFT: "Not Available"; PolyPhen-2: "Benign"; Align-GVGD: "Not Available"). In summary, the available evidence is currently insufficient to determine the role of this variant in disease. Therefore, it has been classified as a Variant of Uncertain Significance. This variant has not been reported in the literature in individuals affected with TANGO2-related conditions. This sequence change replaces alanine with leucine at codon 191 of the TANGO2 protein (p.Ala191Leu). The alanine residue is weakly conserved and there is a moderate physicochemical difference between alanine and leucine. Information on the frequency of this variant in the gnomAD database is not available, as this variant may be reported differently in the database.